The following is an entry in ClinVar:

ClinVar aggregate classification (germline): Uncertain significance (1 of 4 stars; one submission).

Conditions:
Hereditary pancreatitis (PCTT). Also called: Hereditary chronic pancreatitis; PRSS1-Related Hereditary Pancreatitis. Identifiers: Orphanet 676, MedGen C0238339, MONDO:0008185, OMIM 167800.

Submission:

Ambry Genetics
Classification: Uncertain significance for Hereditary pancreatitis. Last evaluated: 2025-07-06. Review status: criteria provided, single submitter. Criteria: Ambry Variant Classification Scheme 2023. Collection method: clinical testing. Allele origin: germline.
Comment: The p.N254D variant (also known as c.760A>G), located in coding exon 7 of the CPA1 gene, results from an A to G substitution at nucleotide position 760. The asparagine at codon 254 is replaced by aspartic acid, an amino acid with highly similar properties. This amino acid position is conserved. In addition, this alteration is predicted to be tolerated by in silico analysis. Based on the available evidence, the clinical significance of this variant remains unclear.

NM_001868.4(CPA1):c.760A>G (p.Asn254Asp)

Gene: CPA1 (carboxypeptidase A1; plus strand). Cytogenetic location: 7q32.2.
Variant type: single nucleotide variant.
Coding change: c.760A>G on transcript NM_001868.4 (MANE Select); coding-DNA position 760, A replaced by G.
Protein change: p.Asn254Asp; replaces asparagine 254 with aspartic acid.
Molecular consequence: missense variant.
Genome position (GRCh38, 1-based): chr7:130,384,599, A>G. VCF-style: chr7-130384599-A-G. GRCh37 (hg19) VCF-style: chr7-130024440-A-G.
Other names: short protein forms N254D.
Identifiers: ClinVar variation 4233085 (VCV004233085.1).